The following is an entry in ClinVar:

NM_001613.4(ACTA2):c.129+6G>T

Gene: ACTA2 (actin alpha 2, smooth muscle; minus strand). Cytogenetic location: 10q23.31.
Variant type: single nucleotide variant.
Coding change: c.129+6G>T on transcript NM_001613.4 (MANE Select); 6 bases into the intron after coding-DNA position 129, G replaced by T.
Molecular consequence: intron variant.
Genome position (GRCh38, 1-based): chr10:88,948,796, C>A on the plus strand (G>T on the coding strand, the complement: ACTA2 is on the minus strand). VCF-style: chr10-88948796-C-A. GRCh37 (hg19) VCF-style: chr10-90708553-C-A.
Other names: c.129+6G>T (NM_001406467.1, NM_001320855.2, NM_001406462.1 and 7 more transcripts).
Identifiers: ClinVar variation 4738445 (VCV004738445.1).

ClinVar aggregate classification (germline): Uncertain significance (1 of 4 stars; one submission).

Conditions:
Aortic aneurysm, familial thoracic 6 (AAT6). Also called: FAMILIAL THORACIC AORTIC ANEURYSM WITH LIVEDO RETICULARIS AND IRIS FLOCCULI. Identifiers: MedGen C2673186, MONDO:0012730, OMIM 611788.

gnomAD v4.1: 8 of 1,613,810 alleles (0.0005%); highest among the groups gnomAD compares: Non-Finnish European, 0.00068%; no homozygotes.

Submission:

Labcorp Genetics (formerly Invitae), Labcorp
Classification: Uncertain significance for Aortic aneurysm, familial thoracic 6. Last evaluated: 2025-11-24. Review status: criteria provided, single submitter. Criteria: Invitae Variant Classification Sherloc (09022015). Collection method: clinical testing. Allele origin: germline.
Comment: This sequence change falls in intron 2 of the ACTA2 gene. It does not directly change the encoded amino acid sequence of the ACTA2 protein. It affects a nucleotide within the consensus splice site. This variant is not present in population databases (gnomAD no frequency). This variant has not been reported in the literature in individuals affected with ACTA2-related conditions. Variants that disrupt the consensus splice site are a relatively common cause of aberrant splicing (PMID: 17576681, 9536098). Algorithms developed to predict the effect of sequence changes on RNA splicing suggest that this variant is not likely to affect RNA splicing. In summary, the available evidence is currently insufficient to determine the role of this variant in disease. Therefore, it has been classified as a Variant of Uncertain Significance.

Literature cited by the submitters: PubMed 17576681; PubMed 9536098.